The following is an entry in ClinVar:

ClinVar aggregate classification (germline): Pathogenic/Likely pathogenic. Review status: criteria provided, multiple submitters, no conflicts (2 of 4 stars). 3 submissions from 3 submitters: Pathogenic (1); Likely pathogenic (1). 1 of the submissions does not count toward it. Last evaluated 2019-12-24.

Conditions:
Bardet-Biedl syndrome 7 (BBS7). Identifiers: Orphanet 110, MedGen C1859565, MONDO:0014435, OMIM 615984.
Bardet-Biedl syndrome (BBS). Identifiers: Orphanet 110, MedGen C0752166, MONDO:0015229.

Submissions (3):

Labcorp Genetics (formerly Invitae), Labcorp
Classification: Pathogenic for Bardet-Biedl syndrome. Last evaluated: 2019-12-24. Review status: criteria provided, single submitter. Criteria: Invitae Variant Classification Sherloc (09022015). Collection method: clinical testing. Allele origin: germline.
Comment: This variant is not present in population databases (ExAC no frequency). For these reasons, this variant has been classified as Pathogenic. Loss-of-function variants in BBS7 are known to be pathogenic (PMID: 12567324). This variant has been observed in individual(s) with Bardet-Biedl syndrome (PMID:24726959). This sequence change creates a premature translational stop signal (p.His29Glnfs*12) in the BBS7 gene. It is expected to result in an absent or disrupted protein product.

Hadassah Hebrew University Medical Center
Classification: Likely pathogenic for Bardet-Biedl syndrome 7. Last evaluated: 2019-06-20. Review status: criteria provided, single submitter. Criteria: ACMG Guidelines, 2015. Collection method: clinical testing. Allele origin: germline. Inheritance: Autosomal recessive inheritance. Affected: yes.

Sharon lab, Hadassah-Hebrew University Medical Center
Classification: Pathogenic for Bardet-Biedl syndrome. Last evaluated: 2019-06-23. Review status: no assertion criteria provided. Collection method: research. Allele origin: inherited. Affected: yes. Not counted in ClinVar's aggregate classification.

Literature cited by the submitters: PubMed 12567324 (cited by Labcorp Genetics (formerly Invitae), Labcorp); PubMed 24726959 (cited by Labcorp Genetics (formerly Invitae), Labcorp).

NM_176824.3(BBS7):c.87_88del (p.His29fs)

Gene: BBS7 (Bardet-Biedl syndrome 7; minus strand). Cytogenetic location: 4q27.
Variant type: Microsatellite.
Coding change: c.87_88del on transcript NM_176824.3 (MANE Select); coding-DNA positions 87 to 88, 2 bases deleted (CA; older notation c.87_88delCA).
Protein change: p.His29fs; shifts the reading frame from histidine 29.
Molecular consequence: frameshift variant.
Genome position (GRCh38, 1-based): chr4:121,867,995-121,867,996, TG deleted on the plus strand (CA on the coding strand, the reverse complement: BBS7 is on the minus strand); deleting any 2 consecutive bases within chr4:121,867,995-121,867,999 gives the same sequence; the c. name uses the placement nearest the transcript's 3' end. VCF-style (leftmost placement, unchanged base first): chr4-121867994-CTG-C. GRCh37 (hg19) VCF-style: chr4-122789149-CTG-C.
Other names: c.87_88del (NM_176824.2); c.87_88del, p.His29fs (NM_018190.4); short protein forms H29fs.
Identifiers: ClinVar variation 804446 (VCV000804446.9), dbSNP rs1578577361, ClinGen allele CA915943220.